The following is an entry in ClinVar:

NM_002109.6(HARS1):c.199C>T (p.Pro67Ser)

Gene: HARS1 (histidyl-tRNA synthetase 1; minus strand). Cytogenetic location: 5q31.3.
Variant type: single nucleotide variant.
Coding change: c.199C>T on transcript NM_002109.6 (MANE Select); coding-DNA position 199, C replaced by T.
Protein change: p.Pro67Ser; replaces proline 67 with serine.
Molecular consequence: missense variant. On other transcripts: intron variant (3).
Genome position (GRCh38, 1-based): chr5:140,683,201, G>A on the plus strand (C>T on the coding strand, the complement: HARS1 is on the minus strand). VCF-style: chr5-140683201-G-A. GRCh37 (hg19) VCF-style: chr5-140062786-G-A.
Other names: c.199C>T, p.Pro67Ser (NM_001258041.3, NM_001289092.2); c.112C>T, p.Pro38Ser (NM_001289094.2); c.181-5186C>T (NM_001289093.2); c.181-3318C>T (NM_001258042.3, NM_001258040.3); short protein forms P38S, P67S.
Identifiers: ClinVar variation 651299 (VCV000651299.8), dbSNP rs1581516557, ClinGen allele CA361259318.

ClinVar aggregate classification (germline): Uncertain significance (1 of 4 stars; one submission).

Conditions:
Usher syndrome type 3B. Also called: USHER SYNDROME, TYPE IIIB. Identifiers: MedGen C3281066, MONDO:0013788, OMIM 614504.

Allele frequency attached by ClinVar (database versions not stated): gnomAD exomes below 0.00001.
gnomAD v4.1: 1 of 1,613,870 alleles (0.000062%); highest among the groups gnomAD compares: South Asian, 0.0011%; no homozygotes.

Submission:

Labcorp Genetics (formerly Invitae), Labcorp
Classification: Uncertain significance for Usher syndrome type 3B. Last evaluated: 2018-11-26. Review status: criteria provided, single submitter. Criteria: Invitae Variant Classification Sherloc (09022015). Collection method: clinical testing. Allele origin: germline.
Comment: In summary, the available evidence is currently insufficient to determine the role of this variant in disease. Therefore, it has been classified as a Variant of Uncertain Significance. Algorithms developed to predict the effect of missense changes on protein structure and function are either unavailable or do not agree on the potential impact of this missense change (SIFT: "Tolerated"; PolyPhen-2: "Probably Damaging"; Align-GVGD: "Class C0"). This variant has not been reported in the literature in individuals with HARS-related conditions. This variant is not present in population databases (ExAC no frequency). This sequence change replaces proline with serine at codon 67 of the HARS protein (p.Pro67Ser). The proline residue is moderately conserved and there is a moderate physicochemical difference between proline and serine.